The following is an entry in ClinVar:

NM_001130987.2(DYSF):c.3275T>C (p.Leu1092Pro)

Gene: DYSF (dysferlin; plus strand). Cytogenetic location: 2p13.2.
Variant type: single nucleotide variant.
Coding change: c.3275T>C on transcript NM_001130987.2 (MANE Select); coding-DNA position 3275, T replaced by C.
Protein change: p.Leu1092Pro; replaces leucine 1092 with proline.
Molecular consequence: missense variant.
Genome position (GRCh38, 1-based): chr2:71,574,244, T>C. VCF-style: chr2-71574244-T-C. GRCh37 (hg19) VCF-style: chr2-71801374-T-C.
Other names: c.3224T>C, p.Leu1075Pro (NM_001130455.2, NM_001130983.2); c.3179T>C, p.Leu1060Pro (NM_001130976.2, NM_001130977.2); c.3221T>C, p.Leu1074Pro (NM_001130978.2, NM_003494.4); c.3314T>C, p.Leu1105Pro (NM_001130979.2); c.3272T>C, p.Leu1091Pro (NM_001130980.2, NM_001130981.2); c.3317T>C, p.Leu1106Pro (NM_001130982.2); c.3182T>C, p.Leu1061Pro (NM_001130984.2, NM_001130986.2); c.3275T>C, p.Leu1092Pro (NM_001130985.2); short protein forms L1061P, L1091P, L1074P, L1105P, L1075P, L1060P, L1092P, L1106P.
Identifiers: ClinVar variation 2153150 (VCV002153150.6), dbSNP rs1414624488, ClinGen allele CA347218128.

ClinVar aggregate classification (germline): Uncertain significance. Review status: criteria provided, multiple submitters, no conflicts (2 of 4 stars). 2 submissions from 2 submitters: Uncertain significance (2). Last evaluated 2024-05-09.

Conditions:
Neuromuscular disease caused by qualitative or quantitative defects of dysferlin. Also called: Dysferlinopathy; Qualitative or quantitative defects of dysferlin. Identifiers: Orphanet 207073, MedGen C2931687, MONDO:0016145.

Allele frequency attached by ClinVar (database versions not stated): gnomAD exomes 0.00001.
gnomAD v4.1: 4 of 1,613,964 alleles (0.00025%); highest among the groups gnomAD compares: Non-Finnish European, 0.00034%; no homozygotes.

Submissions (2):

Labcorp Genetics (formerly Invitae), Labcorp
Classification: Uncertain significance for Neuromuscular disease caused by qualitative or quantitative defects of dysferlin. Last evaluated: 2024-05-09. Review status: criteria provided, single submitter. Criteria: Invitae Variant Classification Sherloc (09022015). Collection method: clinical testing. Allele origin: germline.
Comment: This sequence change replaces leucine, which is neutral and non-polar, with proline, which is neutral and non-polar, at codon 1074 of the DYSF protein (p.Leu1074Pro). This variant is present in population databases (no rsID available, gnomAD 0.0009%). This variant has not been reported in the literature in individuals affected with DYSF-related conditions. ClinVar contains an entry for this variant (Variation ID: 2153150). Advanced modeling of protein sequence and biophysical properties (such as structural, functional, and spatial information, amino acid conservation, physicochemical variation, residue mobility, and thermodynamic stability) performed at Invitae indicates that this missense variant is expected to disrupt DYSF protein function with a positive predictive value of 80%. In summary, the available evidence is currently insufficient to determine the role of this variant in disease. Therefore, it has been classified as a Variant of Uncertain Significance.

Revvity Omics, Revvity
Classification: Uncertain significance. Last evaluated: 2022-09-07. Review status: criteria provided, single submitter. Criteria: ACMG Guidelines, 2015. Collection method: clinical testing. Allele origin: germline.